The following is an entry in ClinVar:

ClinVar aggregate classification (germline): Pathogenic (1 of 4 stars; one submission).

Allele frequency attached by ClinVar (database versions not stated): TOPMed below 0.00001.
gnomAD v4.1: 1 of 1,614,156 alleles (0.000062%); highest among the groups gnomAD compares: African/African-American, 0.0013%; no homozygotes.

Submission:

Labcorp Genetics (formerly Invitae), Labcorp
Classification: Pathogenic. Last evaluated: 2023-11-25. Review status: criteria provided, single submitter. Criteria: Invitae Variant Classification Sherloc (09022015). Collection method: clinical testing. Allele origin: germline.
Comment: This sequence change creates a premature translational stop signal (p.Gln4270*) in the DNAH9 gene. It is expected to result in an absent or disrupted protein product. Loss-of-function variants in DNAH9 are known to be pathogenic (PMID: 30471718). This variant is not present in population databases (gnomAD no frequency). This variant has not been reported in the literature in individuals affected with DNAH9-related conditions. For these reasons, this variant has been classified as Pathogenic.

Literature cited by the submitters: PubMed 30471718.

NM_001372.4(DNAH9):c.12808C>T (p.Gln4270Ter)

Gene: DNAH9 (dynein axonemal heavy chain 9; plus strand). Cytogenetic location: 17p12.
Variant type: single nucleotide variant.
Coding change: c.12808C>T on transcript NM_001372.4 (MANE Select); coding-DNA position 12808, C replaced by T.
Protein change: p.Gln4270Ter; replaces glutamine 4270 with a stop codon.
Molecular consequence: nonsense.
Genome position (GRCh38, 1-based): chr17:11,942,450, C>T. VCF-style: chr17-11942450-C-T. GRCh37 (hg19) VCF-style: chr17-11845767-C-T.
Other names: c.1744C>T, p.Gln582Ter (NM_004662.2); short protein forms Q582*, Q4270*.
Identifiers: ClinVar variation 2699007 (VCV002699007.3), dbSNP rs1974957518, ClinGen allele CA398214376.
Genomic context (GRCh38, chr17:11,942,450, plus strand): 5'-CCTTACATTGTAGTTGCCTTCCAGGAGTGTGGCCGGATGAATATCCTCACCAGAGAGATT[C>T]AGCGCTCACTGAGGGAGCTGGAGCTCGGCTTAAAGGTGAGCGCGGTCTTGTAAGGCATGG-3'